The following is an entry in ClinVar:

NM_015271.5(TRIM2):c.388A>G (p.Ile130Val)

Gene: TRIM2 (tripartite motif containing 2; plus strand). Cytogenetic location: 4q31.3.
Variant type: single nucleotide variant.
Coding change: c.388A>G on transcript NM_015271.5 (MANE Select); coding-DNA position 388, A replaced by G.
Protein change: p.Ile130Val; replaces isoleucine 130 with valine.
Molecular consequence: missense variant. On other transcripts: 5 prime UTR variant (1).
Genome position (GRCh38, 1-based): chr4:153,276,065, A>G. VCF-style: chr4-153276065-A-G. GRCh37 (hg19) VCF-style: chr4-154197217-A-G.
Other names: c.307A>G, p.Ile103Val (NM_001130067.2, NM_001351056.2, NM_001375512.1 and 5 more transcripts); c.388A>G, p.Ile130Val (NM_001302692.2, NM_001375488.1, NM_001375490.1 and 1 more transcripts); c.385A>G, p.Ile129Val (NM_001302693.2, NM_001375489.1, NM_001375491.1 and 1 more transcripts); c.361A>G, p.Ile121Val (NM_001302694.2, NM_001351054.2); c.358A>G, p.Ile120Val (NM_001351055.2); c.-170A>G (NM_001351057.2); c.49A>G, p.Ile17Val (NM_001375522.1, NM_001375523.1, NM_001375525.1); c.388A>G (NM_015271.3); short protein forms I103V, I120V, I121V, I130V, I129V, I17V.
Identifiers: ClinVar variation 845153 (VCV000845153.10), dbSNP rs776363552, ClinGen allele CA3108516.
Genomic context (GRCh38, chr4:153,276,065, plus strand): 5'-ATCACAAACCTGATGGACGTGCTGCAGCGAACTCCAGGCAGCAACGCTGAGGAGTCTTCC[A>G]TCCTGGAGACAGTCACTGCTGTGGCTGCGGGAAAGCCTCTCTCTTGCCCAAACCACGATG-3'
Protein context (NP_056086.2, residues 120-140): TPGSNAEESS[Ile130Val]LETVTAVAAG

ClinVar aggregate classification (germline): Uncertain significance. Review status: criteria provided, multiple submitters, no conflicts (2 of 4 stars). 2 submissions from 2 submitters: Uncertain significance (2). Last evaluated 2025-07-01.

Conditions:
Charcot-Marie-Tooth disease type 2R. Also called: Charcot-Marie-Tooth disease, axonal, type 2R; CHARCOT-MARIE-TOOTH NEUROPATHY, TYPE 2R; CHARCOT-MARIE-TOOTH DISEASE, AXONAL, AUTOSOMAL RECESSIVE, TYPE 2R. Identifiers: Orphanet 397968, MedGen C3809655, MONDO:0014208, OMIM 615490.

Allele frequency attached by ClinVar (database versions not stated): TOPMed 0.00001; ExAC 0.00002; gnomAD 0.00002; gnomAD exomes 0.00002 and 0.00003.
gnomAD v4.1: 34 of 1,614,128 alleles (0.0021%); highest among the groups gnomAD compares: Middle Eastern, 0.016%; no homozygotes.

Submissions (2):

Ambry Genetics
Classification: Uncertain significance. Last evaluated: 2025-07-01. Review status: criteria provided, single submitter. Criteria: Ambry Variant Classification Scheme 2023. Collection method: clinical testing. Allele origin: germline.

Labcorp Genetics (formerly Invitae), Labcorp
Classification: Uncertain significance for Charcot-Marie-Tooth disease type 2R. Last evaluated: 2025-04-29. Review status: criteria provided, single submitter. Criteria: Invitae Variant Classification Sherloc (09022015). Collection method: clinical testing. Allele origin: germline.
Comment: This sequence change replaces isoleucine, which is neutral and non-polar, with valine, which is neutral and non-polar, at codon 103 of the TRIM2 protein (p.Ile103Val). This variant is present in population databases (rs776363552, gnomAD 0.006%). This variant has not been reported in the literature in individuals affected with TRIM2-related conditions. ClinVar contains an entry for this variant (Variation ID: 845153). An algorithm developed to predict the effect of missense changes on protein structure and function (PolyPhen-2) suggests that this variant is likely to be tolerated. In summary, the available evidence is currently insufficient to determine the role of this variant in disease. Therefore, it has been classified as a Variant of Uncertain Significance.